The following is an entry in ClinVar:

NM_000719.7(CACNA1C):c.6310G>A (p.Gly2104Arg)

Genes: CACNA1C (calcium voltage-gated channel subunit alpha1 C; plus strand), CACNA1C-AS1 (CACNA1C antisense RNA 1; minus strand). Cytogenetic location: 12p13.33.
Variant type: single nucleotide variant.
Coding change: c.6310G>A on transcript NM_000719.7 (MANE Select); coding-DNA position 6310, G replaced by A.
Protein change: p.Gly2104Arg; replaces glycine 2104 with arginine.
Molecular consequence: missense variant. On other transcripts: non-coding transcript variant (1).
Genome position (GRCh38, 1-based): chr12:2,691,092, G>A. VCF-style: chr12-2691092-G-A. GRCh37 (hg19) VCF-style: chr12-2800258-G-A.
Other names: c.6310G>A, p.Gly2104Arg (NM_001129841.2, NM_001129842.2, NM_001129843.2 and 2 more transcripts); c.6301G>A, p.Gly2101Arg (NM_001129844.2); c.6277G>A, p.Gly2093Arg (NM_001129846.2); c.6415G>A, p.Gly2139Arg (NM_001167624.3, NM_001129830.3); c.6490G>A, p.Gly2164Arg (NM_001167625.2); c.6559G>A, p.Gly2187Arg (NM_199460.4); c.6370G>A, p.Gly2124Arg (NM_001129832.2); c.6367G>A, p.Gly2123Arg (NM_001129833.2, NM_001129834.2, NM_001129835.2); and 6 more; short protein forms G2093R, G2101R, G2104R, G2132R, G2152R, G2187R, G2110R, G2123R.
Identifiers: ClinVar variation 4697757 (VCV004697757.3).

ClinVar aggregate classification (germline): Uncertain significance. Review status: criteria provided, multiple submitters, no conflicts (2 of 4 stars). 2 submissions from 2 submitters: Uncertain significance (2). Last evaluated 2025-12-16.

Conditions:
Long QT syndrome (LQTS). Identifiers: MedGen C0023976, MeSH D008133, MONDO:0002442. Disease mechanism: loss of function. Inheritance: Various modes of inheritance.

Submissions (2):

Dasa
Classification: Uncertain significance. Last evaluated: 2025-12-16. Review status: criteria provided, single submitter. Criteria: DASA Assertion Criteria. Collection method: clinical testing. Allele origin: germline.
Comment: NM_000719.7(CACNA1C):c.6310G>A (p.Gly2104Arg) is a missense variant that results in the substitution of glycine with arginine. This variant is rare in population databases. The currently available literature and clinical evidence are not sufficient to establish a definitive association between this variant and the reported condition. Therefore, this variant is classified as a variant of uncertain significance.

Labcorp Genetics (formerly Invitae), Labcorp
Classification: Uncertain significance for Long QT syndrome. Last evaluated: 2025-08-06. Review status: criteria provided, single submitter. Criteria: Invitae Variant Classification Sherloc (09022015). Collection method: clinical testing. Allele origin: germline.
Comment: This sequence change replaces glycine, which is neutral and non-polar, with arginine, which is basic and polar, at codon 2104 of the CACNA1C protein (p.Gly2104Arg). This variant is not present in population databases (gnomAD no frequency). This variant has not been reported in the literature in individuals affected with CACNA1C-related conditions. Invitae Evidence Modeling of protein sequence and biophysical properties (such as structural, functional, and spatial information, amino acid conservation, physicochemical variation, residue mobility, and thermodynamic stability) indicates that this missense variant is not expected to disrupt CACNA1C protein function with a negative predictive value of 95%. In summary, the available evidence is currently insufficient to determine the role of this variant in disease. Therefore, it has been classified as a Variant of Uncertain Significance.